The following is an entry in ClinVar:

NM_000112.4(SLC26A2):c.1636A>G (p.Thr546Ala)

Gene: SLC26A2 (solute carrier family 26 member 2; plus strand). Cytogenetic location: 5q32.
Variant type: single nucleotide variant.
Coding change: c.1636A>G on transcript NM_000112.4 (MANE Select); coding-DNA position 1636, A replaced by G.
Protein change: p.Thr546Ala; replaces threonine 546 with alanine.
Molecular consequence: missense variant.
Genome position (GRCh38, 1-based): chr5:149,981,229, A>G. VCF-style: chr5-149981229-A-G. GRCh37 (hg19) VCF-style: chr5-149360792-A-G.
Other names: short protein forms T546A.
Identifiers: ClinVar variation 3781321 (VCV003781321.1).

ClinVar aggregate classification (germline): Uncertain significance (1 of 4 stars; one submission).

Conditions:
Diastrophic dysplasia (DTD). Also called: Diastrophic dwarfism. Identifiers: Orphanet 628, MedGen C0220726, MONDO:0009107, OMIM 222600.

gnomAD v4.1: 11 of 1,614,090 alleles (0.00068%); highest among the groups gnomAD compares: South Asian, 0.011%; no homozygotes.

Submission:

Medical Molecular Genetics Department, National Research Center
Classification: Uncertain significance for Diastrophic dysplasia. Review status: criteria provided, single submitter. Criteria: ACMG Guidelines, 2015. Collection method: research. Allele origin: germline. Inheritance: Autosomal recessive inheritance. Affected: yes. Observed: 1 homozygote.
Comment: The size of the mutant amino acids was smaller than that of the wild-type variant in the p.Thr546Ala variant. This variant has a very low frequency, 0.0007%, in population databases, so that it is classified as VUS (PM2, PP2).

Literature cited by the submitters: PubMed 34064542.